The following is an entry in ClinVar:

ClinVar aggregate classification (germline): Likely benign. Review status: criteria provided, multiple submitters, no conflicts (2 of 4 stars). 2 submissions from 2 submitters: Likely benign (2). Last evaluated 2018-06-14.

Allele frequency attached by ClinVar (database versions not stated): TOPMed 0.00408; gnomAD 0.00454 and 0.00485; 1000 Genomes Project 0.00479; 1000 Genomes Project 30x 0.00593.
gnomAD v4.1: 523 of 115,354 alleles (0.45%); highest among the groups gnomAD compares: African/African-American, 1.3%; 4 homozygotes.

Submissions (2):

GeneDx
Classification: Likely benign. Last evaluated: 2018-06-14. Review status: criteria provided, single submitter. Criteria: GeneDx Variant Classification (06012015). Collection method: clinical testing. Allele origin: germline. Affected: yes.
Comment: This variant is considered likely benign or benign based on one or more of the following criteria: it is a conservative change, it occurs at a poorly conserved position in the protein, it is predicted to be benign by multiple in silico algorithms, and/or has population frequency not consistent with disease.

Breakthrough Genomics
Classification: Likely benign. Review status: criteria provided, single submitter. Criteria: ACMG Guidelines, 2015. Collection method: not provided. Allele origin: germline. Inheritance: Autosomal recessive inheritance. Affected: yes.

NM_025265.4(TSEN2):c.910-179A>G

Gene: TSEN2 (tRNA splicing endonuclease subunit 2; plus strand). Cytogenetic location: 3p25.2.
Variant type: single nucleotide variant.
Coding change: c.910-179A>G on transcript NM_025265.4 (MANE Select); 179 bases into the intron before coding-DNA position 910, A replaced by G.
Molecular consequence: intron variant.
Genome position (GRCh38, 1-based): chr3:12,516,432, A>G. VCF-style: chr3-12516432-A-G. GRCh37 (hg19) VCF-style: chr3-12557931-A-G.
Other names: c.910-179A>G (NM_001321278.2, NM_001145392.2, NM_001321277.2); c.832-179A>G (NM_001321279.2, NM_001145393.3); c.733-179A>G (NM_001145394.2).
Identifiers: ClinVar variation 677138 (VCV000677138.2), dbSNP rs368900746, ClinGen allele CA69584004.
Genomic context (GRCh38, chr3:12,516,432, plus strand): 5'-GCGGAGATGTGCCACCGCACTCCAGCCTGGACGACAGAGTGAGACTCCGTTTCAAAAACA[A>G]ACAAACAAAATATATGTGTGTGTGTGTGTGTGTGTGTGTGTGTGTGTGTGTGTGTGACCT-3'